The following is an entry in ClinVar:

ClinVar aggregate classification (germline): Conflicting classifications of pathogenicity. Review status: criteria provided, conflicting classifications (1 of 4 stars). 4 submissions from 4 submitters: Uncertain significance (3); Likely benign (1). Last evaluated 2025-07-10.

Conditions:
Cardiovascular phenotype. Identifiers: MedGen CN230736.
Catecholaminergic polymorphic ventricular tachycardia 1. Also called: VENTRICULAR TACHYCARDIA, CATECHOLAMINERGIC POLYMORPHIC, 1, WITH OR WITHOUT ATRIAL DYSFUNCTION AND/OR DILATED CARDIOMYOPATHY; VENTRICULAR TACHYCARDIA, STRESS-INDUCED POLYMORPHIC 1; RYR2-Related Catecholaminergic Polymorphic Ventricular Tachycardia. Identifiers: Orphanet 3286, MedGen C1631597, MONDO:0011484, OMIM 604772.
Cardiomyopathy (CMYO). Also called: Cardiomyopathies. Identifiers: Orphanet 167848, MedGen C0878544, MONDO:0004994, HP:0001638. Inheritance: Various modes of inheritance.

Allele frequency attached by ClinVar (database versions not stated): gnomAD exomes below 0.00001.
gnomAD v4.1: 3 of 1,613,986 alleles (0.00019%); highest among the groups gnomAD compares: Non-Finnish European, 0.00025%; no homozygotes.

Submissions (4):

Ambry Genetics
Classification: Likely benign for Cardiovascular phenotype. Last evaluated: 2025-07-10. Review status: criteria provided, single submitter. Criteria: Ambry Variant Classification Scheme 2023. Collection method: clinical testing. Allele origin: germline.

Labcorp Genetics (formerly Invitae), Labcorp
Classification: Uncertain significance for Catecholaminergic polymorphic ventricular tachycardia 1. Last evaluated: 2024-04-03. Review status: criteria provided, single submitter. Criteria: Invitae Variant Classification Sherloc (09022015). Collection method: clinical testing. Allele origin: germline.
Comment: This sequence change replaces asparagine, which is neutral and polar, with serine, which is neutral and polar, at codon 1836 of the RYR2 protein (p.Asn1836Ser). This variant is not present in population databases (gnomAD no frequency). This variant has not been reported in the literature in individuals affected with RYR2-related conditions. ClinVar contains an entry for this variant (Variation ID: 979109). Advanced modeling of protein sequence and biophysical properties (such as structural, functional, and spatial information, amino acid conservation, physicochemical variation, residue mobility, and thermodynamic stability) performed at Invitae indicates that this missense variant is not expected to disrupt RYR2 protein function with a negative predictive value of 95%. In summary, the available evidence is currently insufficient to determine the role of this variant in disease. Therefore, it has been classified as a Variant of Uncertain Significance.

Color Diagnostics, LLC DBA Color Health
Classification: Uncertain significance for Cardiomyopathy. Last evaluated: 2023-11-21. Review status: criteria provided, single submitter. Criteria: ACMG Guidelines, 2015. Collection method: clinical testing. Allele origin: germline.
Comment: This missense variant replaces asparagine with serine at codon 1836 of the RYR2 protein. Computational prediction suggests that this variant may not impact protein structure and function (internally defined REVEL score threshold <= 0.5, PMID: 27666373). To our knowledge, functional studies have not been reported for this variant. This variant has not been reported in individuals affected with RYR2-related disorders in the literature. This variant has not been identified in the general population by the Genome Aggregation Database (gnomAD). The available evidence is insufficient to determine the role of this variant in disease conclusively. Therefore, this variant is classified as a Variant of Uncertain Significance.

Human Genome Sequencing Center Clinical Lab, Baylor College of Medicine
Classification: Uncertain significance for Catecholaminergic polymorphic ventricular tachycardia 1. Review status: criteria provided, single submitter. Criteria: ACMG Guidelines, 2015. Collection method: clinical testing. Allele origin: germline.

NM_001035.3(RYR2):c.5507A>G (p.Asn1836Ser)

Gene: RYR2 (ryanodine receptor 2; plus strand). Cytogenetic location: 1q43.
Variant type: single nucleotide variant.
Coding change: c.5507A>G on transcript NM_001035.3 (MANE Select); coding-DNA position 5507, A replaced by G.
Protein change: p.Asn1836Ser; replaces asparagine 1836 with serine.
Molecular consequence: missense variant.
Genome position (GRCh38, 1-based): chr1:237,614,635, A>G. VCF-style: chr1-237614635-A-G. GRCh37 (hg19) VCF-style: chr1-237777935-A-G.
Other names: short protein forms N1836S.
Identifiers: ClinVar variation 979109 (VCV000979109.11), dbSNP rs1678261343, ClinGen allele CA345405175.